The following is an entry in ClinVar:

NM_002471.4(MYH6):c.1325C>T (p.Thr442Met)

Gene: MYH6 (myosin heavy chain 6; minus strand). Cytogenetic location: 14q11.2.
Variant type: single nucleotide variant.
Coding change: c.1325C>T on transcript NM_002471.4 (MANE Select); coding-DNA position 1325, C replaced by T.
Protein change: p.Thr442Met; replaces threonine 442 with methionine.
Molecular consequence: missense variant.
Genome position (GRCh38, 1-based): chr14:23,400,794, G>A on the plus strand (C>T on the coding strand, the complement: MYH6 is on the minus strand). VCF-style: chr14-23400794-G-A. GRCh37 (hg19) VCF-style: chr14-23870003-G-A.
Other names: short protein forms T442M.
Identifiers: ClinVar variation 847022 (VCV000847022.13), dbSNP rs757040426, ClinGen allele CA7115840.
Genomic context (GRCh38, chr14:23,400,794, plus strand): 5'-TCCAGGACTCCTATGAAGTACTGGCGTGGCTGCTTGGTCTCCAGGGTGGCGTTGATGCGC[G>A]TCACCATCCAGTTGAACATCTTCTCATACACTGCCTTGGCCAGAGCCCCGATGGAGTAGT-3'
Protein context (NP_002462.2, residues 432-452): VYEKMFNWMV[Thr442Met]RINATLETKQ

ClinVar aggregate classification (germline): Uncertain significance. Review status: criteria provided, multiple submitters, no conflicts (2 of 4 stars). 4 submissions from 4 submitters: Uncertain significance (4). Last evaluated 2026-07-05.

Conditions:
Cardiovascular phenotype. Identifiers: MedGen CN230736.
Hypertrophic cardiomyopathy 14. Identifiers: MedGen C2750467, MONDO:0013197, OMIM 613251.
Atrial septal defect 3 (ASD3). Identifiers: Orphanet 1478, MedGen C3279790, MONDO:0013567, OMIM 614089.
Dilated cardiomyopathy 1EE (CMD1EE). Identifiers: Orphanet 154, MedGen C2750466, MONDO:0013198, OMIM 613252.
Sick sinus syndrome 3, susceptibility to (SSS3). Identifiers: Orphanet 166282, MedGen C3279791, MONDO:0013568, OMIM 614090.
Hypertrophic cardiomyopathy 1 (CMH1). Also called: Familial hypertrophic cardiomyopathy 1; MYH7-Related Familial Hypertrophic Cardiomyopathy. Identifiers: MedGen C3495498, MONDO:0008647, OMIM 192600.
MYH6-related disorder. Also called: MYH6-Related Disorders; MYH6-related condition.

Allele frequency attached by ClinVar (database versions not stated): ExAC 0.00002; gnomAD 0.00002 and 0.00003; gnomAD exomes 0.00002; TOPMed 0.00002.
gnomAD v4.1: 23 of 1,614,208 alleles (0.0014%); highest among the groups gnomAD compares: Middle Eastern, 0.016%; no homozygotes.

Submissions (4):

PreventionGenetics, part of Exact Sciences
Classification: Uncertain significance for MYH6-related condition. Last evaluated: 2026-07-05. Review status: criteria provided, single submitter. Criteria: ACMG Guidelines, 2015. Collection method: clinical testing. Allele origin: germline.
Comment: The MYH6 c.1325C>T variant is predicted to result in the amino acid substitution p.Thr442Met. This variant has been reported in an individual with L-loop transposition of the great arteries with ventricular septal defect (Extended Data Set 4, Sierant et al. 2025. PubMed ID: 40127276). This variant is reported in 0.0050% of alleles in individuals of East Asian descent in gnomAD. At this time, the clinical significance of this variant is uncertain due to the absence of conclusive functional and genetic evidence.

Ambry Genetics
Classification: Uncertain significance for Cardiovascular phenotype. Last evaluated: 2025-11-10. Review status: criteria provided, single submitter. Criteria: Ambry Variant Classification Scheme 2023. Collection method: clinical testing. Allele origin: germline.
Comment: The p.T442M variant (also known as c.1325C>T), located in coding exon 11 of the MYH6 gene, results from a C to T substitution at nucleotide position 1325. The threonine at codon 442 is replaced by methionine, an amino acid with similar properties. This amino acid position is conserved. In addition, this alteration is predicted to be tolerated by in silico analysis. Since supporting evidence is limited at this time, the clinical significance of this alteration remains unclear.

Labcorp Genetics (formerly Invitae), Labcorp
Classification: Uncertain significance for Hypertrophic cardiomyopathy 14. Last evaluated: 2024-02-09. Review status: criteria provided, single submitter. Criteria: Invitae Variant Classification Sherloc (09022015). Collection method: clinical testing. Allele origin: germline.
Comment: This sequence change replaces threonine, which is neutral and polar, with methionine, which is neutral and non-polar, at codon 442 of the MYH6 protein (p.Thr442Met). This variant is present in population databases (rs757040426, gnomAD 0.005%). This variant has not been reported in the literature in individuals affected with MYH6-related conditions. ClinVar contains an entry for this variant (Variation ID: 847022). Advanced modeling of protein sequence and biophysical properties (such as structural, functional, and spatial information, amino acid conservation, physicochemical variation, residue mobility, and thermodynamic stability) performed at Invitae indicates that this missense variant is not expected to disrupt MYH6 protein function with a negative predictive value of 80%. In summary, the available evidence is currently insufficient to determine the role of this variant in disease. Therefore, it has been classified as a Variant of Uncertain Significance.

Fulgent Genetics
Classification: Uncertain significance for Hypertrophic cardiomyopathy 1; Hypertrophic cardiomyopathy 14; Dilated cardiomyopathy 1EE; Atrial septal defect 3; Sick sinus syndrome 3, susceptibility to. Last evaluated: 2021-08-20. Review status: criteria provided, single submitter. Criteria: ACMG Guidelines, 2015. Collection method: clinical testing. Allele origin: unknown.